The following is an entry in ClinVar:

NM_005515.4(MNX1):c.407del (p.Gly136fs)

Genes: MNX1 (motor neuron and pancreas homeobox 1; minus strand), LOC129999736 (ATAC-STARR-seq lymphoblastoid silent region 18858; plus strand). Cytogenetic location: 7q36.3.
Variant type: Deletion.
Coding change: c.407del on transcript NM_005515.4 (MANE Select); coding-DNA position 407, one base deleted (G; older notation c.407delG).
Protein change: p.Gly136fs; shifts the reading frame from glycine 136.
Molecular consequence: frameshift variant.
Genome position (GRCh38, 1-based): chr7:157,009,944, C deleted on the plus strand (G on the coding strand, the reverse complement: MNX1 is on the minus strand); the first of 5 consecutive C bases (chr7:157,009,944-157,009,948); deleting any one gives the same sequence. VCF-style (leftmost placement, unchanged base first): chr7-157009943-GC-G. GRCh37 (hg19) VCF-style: chr7-156802637-GC-G.
Other names: short protein forms G136fs.
Identifiers: ClinVar variation 5007194 (VCV005007194.2).

ClinVar aggregate classification (germline): Likely pathogenic (1 of 4 stars; one submission).

Conditions:
Currarino triad. Identifiers: Orphanet 1552, MedGen C1531773, MONDO:0008305, OMIM 176450.

Submission:

Juno Genomics, Hangzhou Juno Genomics, Inc
Classification: Likely pathogenic for Currarino triad. Review status: criteria provided, single submitter. Criteria: ACMG Guidelines, 2015. Collection method: clinical testing. Allele origin: germline.
Comment: Null variant in a gene where loss of function (LOF) is a known mechanism of disease.;Absent from controls (or at extremely low frequency if recessive) in Genome Aggregation Database.